The following is an entry in ClinVar:

NM_001849.4(COL6A2):c.2737T>G (p.Ser913Ala)

Gene: COL6A2 (collagen type VI alpha 2 chain; plus strand). Cytogenetic location: 21q22.3.
Variant type: single nucleotide variant.
Coding change: c.2737T>G on transcript NM_001849.4 (MANE Select); coding-DNA position 2737, T replaced by G.
Protein change: p.Ser913Ala; replaces serine 913 with alanine.
Molecular consequence: missense variant.
Genome position (GRCh38, 1-based): chr21:46,132,229, T>G. VCF-style: chr21-46132229-T-G. GRCh37 (hg19) VCF-style: chr21-47552143-T-G.
Other names: short protein forms S913A.
Identifiers: ClinVar variation 1690721 (VCV001690721.2), dbSNP rs2078770367, ClinGen allele CA410549410.

ClinVar aggregate classification (germline): Uncertain significance (1 of 4 stars; one submission).

Submission:

Laboratorio de Genetica e Diagnostico Molecular, Hospital Israelita Albert Einstein
Classification: Uncertain significance. Last evaluated: 2019-10-28. Review status: criteria provided, single submitter. Criteria: ACMG Guidelines, 2015. Collection method: clinical testing. Allele origin: germline. Affected: yes.
Comment: ACMG classification criteria: PM2, PP3